The following is an entry in ClinVar:

ClinVar aggregate classification (germline): Likely benign (1 of 4 stars; one submission).

Conditions:
SLCO1B3-related disorder. Also called: SLCO1B3-related condition.

Submission:

PreventionGenetics, part of Exact Sciences
Classification: Likely benign for SLCO1B3-related condition. Last evaluated: 2024-12-12. Review status: criteria provided, single submitter. Criteria: ACMG Guidelines, 2015. Collection method: clinical testing. Allele origin: germline.
Comment: This variant is classified as likely benign based on ACMG/AMP sequence variant interpretation guidelines (Richards et al. 2015 PMID: 25741868, with internal and published modifications).

NM_019844.4(SLCO1B3):c.531G>T (p.Gly177=)

Genes: SLCO1B3 (solute carrier organic anion transporter family member 1B3; plus strand), SLCO1B3-SLCO1B7 (SLCO1B3-SLCO1B7 readthrough; plus strand). Cytogenetic location: 12p12.2.
Variant type: single nucleotide variant.
Coding change: c.531G>T on transcript NM_019844.4 (MANE Select); coding-DNA position 531, G replaced by T.
Protein change: p.Gly177=; no amino-acid change (glycine 177 retained).
Molecular consequence: synonymous variant.
Genome position (GRCh38, 1-based): chr12:20,862,461, G>T. VCF-style: chr12-20862461-G-T. GRCh37 (hg19) VCF-style: chr12-21015395-G-T.
Other names: c.531G>T, p.Gly177= (NM_001371097.1); c.447G>T, p.Gly149= (NM_001349920.2).
Identifiers: ClinVar variation 4988837 (VCV004988837.1).